The following is an entry in ClinVar:

ClinVar aggregate classification (germline): Uncertain significance. Review status: criteria provided, multiple submitters, no conflicts (2 of 4 stars). 3 submissions from 3 submitters: Uncertain significance (3). Last evaluated 2024-11-10.

Allele frequency attached by ClinVar (database versions not stated): ESP Exome Variant Server 0.00008; gnomAD 0.00009 and 0.00011; TOPMed 0.00010; gnomAD exomes 0.00012 and 0.00016; ExAC 0.00017.
gnomAD v4.1: 184 of 1,614,144 alleles (0.011%); highest among the groups gnomAD compares: Middle Eastern, 0.099%; no homozygotes.

Submissions (3):

GeneDx
Classification: Uncertain significance. Last evaluated: 2024-11-10. Review status: criteria provided, single submitter. Criteria: GeneDx Variant Classification Process June 2021. Collection method: clinical testing. Allele origin: germline. Affected: yes.
Comment: In silico analysis supports that this missense variant has a deleterious effect on protein structure/function; Has not been previously published as pathogenic or benign to our knowledge

Blueprint Genetics
Classification: Uncertain significance. Last evaluated: 2024-09-23. Review status: criteria provided, single submitter. Criteria: ACMG Guidelines, 2015. Collection method: clinical testing. Allele origin: germline.

Labcorp Genetics (formerly Invitae), Labcorp
Classification: Uncertain significance. Last evaluated: 2023-03-02. Review status: criteria provided, single submitter. Criteria: Invitae Variant Classification Sherloc (09022015). Collection method: clinical testing. Allele origin: germline.
Comment: In summary, the available evidence is currently insufficient to determine the role of this variant in disease. Therefore, it has been classified as a Variant of Uncertain Significance. An algorithm developed to predict the effect of missense changes on protein structure and function (PolyPhen-2) suggests that this variant is likely to be disruptive. ClinVar contains an entry for this variant (Variation ID: 1395874). This variant has not been reported in the literature in individuals affected with NANS-related conditions. This sequence change replaces valine, which is neutral and non-polar, with leucine, which is neutral and non-polar, at codon 296 of the NANS protein (p.Val296Leu). This variant is present in population databases (rs147561143, gnomAD 0.02%).

NM_018946.4(NANS):c.886G>C (p.Val296Leu)

Genes: NANS (N-acetylneuraminate synthase; plus strand), TRIM14 (tripartite motif containing 14; minus strand). Cytogenetic location: 9q22.33.
Variant type: single nucleotide variant.
Coding change: c.886G>C on transcript NM_018946.4 (MANE Select); coding-DNA position 886, G replaced by C.
Protein change: p.Val296Leu; replaces valine 296 with leucine.
Molecular consequence: missense variant.
Genome position (GRCh38, 1-based): chr9:98,082,861, G>C. VCF-style: chr9-98082861-G-C. GRCh37 (hg19) VCF-style: chr9-100845143-G-C.
Other names: c.886G>C (NM_018946.3); short protein forms V296L.
Identifiers: ClinVar variation 1395874 (VCV001395874.8), dbSNP rs147561143, ClinGen allele CA5150435.